The following is an entry in ClinVar:

NM_017909.4(RMND1):c.329A>G (p.Lys110Arg)

Gene: RMND1 (required for meiotic nuclear division 1 homolog; minus strand). Cytogenetic location: 6q25.1.
Variant type: single nucleotide variant.
Coding change: c.329A>G on transcript NM_017909.4 (MANE Select); coding-DNA position 329, A replaced by G.
Protein change: p.Lys110Arg; replaces lysine 110 with arginine.
Molecular consequence: missense variant. On other transcripts: intron variant (1).
Genome position (GRCh38, 1-based): chr6:151,445,483, T>C on the plus strand (A>G on the coding strand, the complement: RMND1 is on the minus strand). VCF-style: chr6-151445483-T-C. GRCh37 (hg19) VCF-style: chr6-151766618-T-C.
Other names: c.329A>G (NM_017909.2); c.-7+6533A>G (NM_001271937.2); short protein forms K110R.
Identifiers: ClinVar variation 2141854 (VCV002141854.4), dbSNP rs138900217, ClinGen allele CA4051062.

ClinVar aggregate classification (germline): Uncertain significance. Review status: criteria provided, multiple submitters, no conflicts (2 of 4 stars). 3 submissions from 3 submitters: Uncertain significance (3). Last evaluated 2025-08-10.

Conditions:
Combined oxidative phosphorylation defect type 11. Also called: ENCEPHALONEUROMYOPATHY, INFANTILE, DUE TO MITOCHONDRIAL TRANSLATION DEFECT; Combined oxidative phosphorylation deficiency 11. Identifiers: Orphanet 324535, MedGen C5190991, MONDO:0013969, OMIM 614922.
Inborn genetic diseases. Identifiers: MedGen C0950123, MeSH D030342.

Allele frequency attached by ClinVar (database versions not stated): TOPMed 0.00046; 1000 Genomes Project 30x 0.00078; 1000 Genomes Project 0.00100; ESP Exome Variant Server 0.00031; gnomAD 0.00037.
gnomAD v4.1: 107 of 1,614,242 alleles (0.0066%); highest among the groups gnomAD compares: African/African-American, 0.13%; no homozygotes.

Submissions (3):

Ambry Genetics
Classification: Uncertain significance for Inborn genetic diseases. Last evaluated: 2025-08-10. Review status: criteria provided, single submitter. Criteria: Ambry Variant Classification Scheme 2023. Collection method: clinical testing. Allele origin: germline.

Fulgent Genetics
Classification: Uncertain significance for Combined oxidative phosphorylation defect type 11. Last evaluated: 2024-01-18. Review status: criteria provided, single submitter. Criteria: ACMG Guidelines, 2015. Collection method: clinical testing. Allele origin: germline.

Labcorp Genetics (formerly Invitae), Labcorp
Classification: Uncertain significance. Last evaluated: 2022-07-20. Review status: criteria provided, single submitter. Criteria: Invitae Variant Classification Sherloc (09022015). Collection method: clinical testing. Allele origin: germline.
Comment: Algorithms developed to predict the effect of missense changes on protein structure and function output the following: SIFT: "Tolerated"; PolyPhen-2: "Benign"; Align-GVGD: "Class C0". The arginine amino acid residue is found in multiple mammalian species, which suggests that this missense change does not adversely affect protein function. In summary, the available evidence is currently insufficient to determine the role of this variant in disease. Therefore, it has been classified as a Variant of Uncertain Significance. This variant has not been reported in the literature in individuals affected with RMND1-related conditions. This variant is present in population databases (rs138900217, gnomAD 0.1%). This sequence change replaces lysine, which is basic and polar, with arginine, which is basic and polar, at codon 110 of the RMND1 protein (p.Lys110Arg).